The following is an entry in ClinVar:

NM_000369.5(TSHR):c.1812C>A (p.Ile604=)

Genes: TSHR (thyroid stimulating hormone receptor; plus strand), TSHR-AS1 (TSHR antisense RNA 1; minus strand). Cytogenetic location: 14q31.1.
Variant type: single nucleotide variant.
Coding change: c.1812C>A on transcript NM_000369.5 (MANE Select); coding-DNA position 1812, C replaced by A.
Protein change: p.Ile604=; no amino-acid change (isoleucine 604 retained).
Molecular consequence: synonymous variant.
Genome position (GRCh38, 1-based): chr14:81,143,870, C>A. VCF-style: chr14-81143870-C-A. GRCh37 (hg19) VCF-style: chr14-81610214-C-A.
Identifiers: ClinVar variation 2978765 (VCV002978765.4), dbSNP rs373520532, ClinGen allele CA7294531.

ClinVar aggregate classification (germline): Likely benign. Review status: criteria provided, multiple submitters, no conflicts (2 of 4 stars). 2 submissions from 2 submitters: Likely benign (2). Last evaluated 2024-09-13.

Allele frequency attached by ClinVar (database versions not stated): gnomAD exomes below 0.00001; TOPMed below 0.00001; ExAC 0.00002; ESP Exome Variant Server 0.00008.
gnomAD v4.1: 1 of 1,614,086 alleles (0.000062%); highest among the groups gnomAD compares: African/African-American, 0.0013%; no homozygotes.

Submissions (2):

Women's Health and Genetics/Laboratory Corporation of America, LabCorp
Classification: Likely benign. Last evaluated: 2024-09-13. Review status: criteria provided, single submitter. Criteria: LabCorp Variant Classification Summary - May 2015. Collection method: clinical testing. Allele origin: germline.
Comment: Variant summary: TSHR c.1812C>A alters a non-conserved nucleotide resulting in a synonymous change. Consensus agreement among computation tools predict no significant impact on normal splicing. However, these predictions have yet to be confirmed by functional studies. The variant allele was found at a frequency of 8e-06 in 251414 control chromosomes (gnomAD v2.1). The available data on variant occurrences in the general population are insufficient to allow any conclusion about variant significance. To our knowledge, no occurrence of c.1812C>A in individuals affected with Hypothyroidism Due To TSH Receptor Mutations and no experimental evidence demonstrating its impact on protein function have been reported. ClinVar contains an entry for this variant (Variation ID: 2978765). Based on the evidence outlined above, the variant was classified as likely benign.

Labcorp Genetics (formerly Invitae), Labcorp
Classification: Likely benign. Last evaluated: 2023-09-29. Review status: criteria provided, single submitter. Criteria: Invitae Variant Classification Sherloc (09022015). Collection method: clinical testing. Allele origin: germline.